The following is an entry in ClinVar:

NM_003560.4(PLA2G6):c.1111G>A (p.Val371Met)

Gene: PLA2G6 (phospholipase A2 group VI; minus strand). Cytogenetic location: 22q13.1.
Variant type: single nucleotide variant.
Coding change: c.1111G>A on transcript NM_003560.4 (MANE Select); coding-DNA position 1111, G replaced by A.
Protein change: p.Val371Met; replaces valine 371 with methionine.
Molecular consequence: missense variant.
Genome position (GRCh38, 1-based): chr22:38,129,529, C>T on the plus strand (G>A on the coding strand, the complement: PLA2G6 is on the minus strand). VCF-style: chr22-38129529-C-T. GRCh37 (hg19) VCF-style: chr22-38525536-C-T.
Other names: NM_003560.4(PLA2G6):c.1111G>A; p.Val371Met; c.1111G>A, p.Val371Met (NM_001004426.3, NM_001199562.3, NM_001349864.2 and 2 more transcripts); c.577G>A, p.Val193Met (NM_001349867.2, NM_001349869.2); c.433G>A, p.Val145Met (NM_001349868.2); short protein forms V145M, V193M, V371M.
Identifiers: ClinVar variation 985636 (VCV000985636.13), dbSNP rs765156550, ClinGen allele CA10231018.
Genomic context (GRCh38, chr22:38,129,529, plus strand): 5'-AGGCTAGGAATGTAGGAGTCTCCCCAAAGTCATTCGGGGTGTCCACTTCTGCTCCGAACA[C>T]GATGAGGGCCTTGATCATCTCCACGTTGTCTTTCTGTTGGAGATGGAGAGAGGATAAGAC-3'
Protein context (NP_003551.2, residues 361-381): DNVEMIKALI[Val371Met]FGAEVDTPND

ClinVar aggregate classification (germline): Likely pathogenic. Review status: criteria provided, multiple submitters, no conflicts (2 of 4 stars). 4 submissions from 4 submitters: Likely pathogenic (4). Last evaluated 2024-07-11.

Conditions:
Infantile neuroaxonal dystrophy (NBIA2A). Also called: Infantile neuroaxonal dystrophy 1; NEURODEGENERATION WITH BRAIN IRON ACCUMULATION 2A; SEITELBERGER DISEASE. Identifiers: Orphanet 35069, MedGen C0270724, MONDO:0024457, OMIM 256600.
Inborn genetic diseases. Identifiers: MedGen C0950123, MeSH D030342.
PLA2G6-associated neurodegeneration (PLAN). Also called: phospholipase A2-associated neurodegeneration. Identifiers: Orphanet 329303, MedGen CN204472, MONDO:0017998.

Allele frequency attached by ClinVar (database versions not stated): gnomAD 0.00002 and 0.00001; gnomAD exomes below 0.00001 and 0.00001; TOPMed 0.00001; ExAC 0.00001.
gnomAD v4.1: 13 of 1,613,962 alleles (0.00081%); highest among the groups gnomAD compares: East Asian, 0.0022%; no homozygotes.

Submissions (4):

Labcorp Genetics (formerly Invitae), Labcorp
Classification: Likely pathogenic for Infantile neuroaxonal dystrophy. Last evaluated: 2024-07-11. Review status: criteria provided, single submitter. Criteria: Invitae Variant Classification Sherloc (09022015). Collection method: clinical testing. Allele origin: germline.
Comment: This sequence change replaces valine, which is neutral and non-polar, with methionine, which is neutral and non-polar, at codon 371 of the PLA2G6 protein (p.Val371Met). This variant is present in population databases (rs765156550, gnomAD 0.0009%). This missense change has been observed in individual(s) with infantile neuroaxonal dystrophy (PMID: 19138334, 34272103, 34445196). In at least one individual the data is consistent with being in trans (on the opposite chromosome) from a pathogenic variant. ClinVar contains an entry for this variant (Variation ID: 985636). Advanced modeling of protein sequence and biophysical properties (such as structural, functional, and spatial information, amino acid conservation, physicochemical variation, residue mobility, and thermodynamic stability) performed at Invitae indicates that this missense variant is expected to disrupt PLA2G6 protein function with a positive predictive value of 80%. In summary, the currently available evidence indicates that the variant is pathogenic, but additional data are needed to prove that conclusively. Therefore, this variant has been classified as Likely Pathogenic.

Broad Center for Mendelian Genomics, Broad Institute of MIT and Harvard
Classification: Likely pathogenic for PLA2G6-associated neurodegeneration. Last evaluated: 2023-01-24. Review status: criteria provided, single submitter. Criteria: ACMG Guidelines, 2015. Collection method: curation. Allele origin: germline. Inheritance: Autosomal recessive inheritance.
Comment: The p.Val371Met variant in PLA2G6 has been reported in 4 individuals with PLA2G6-associated neurodegeneration (PMID: 34272103, 19138334, Lissens_2008, 34445196) and has been identified in 0.0009% (1/113748) of European (non-Finnish) chromosomes by the Genome Aggregation Database (gnomAD; dbSNP ID: rs765156550). Although this variant has been seen in the general population in a heterozygous state, its frequency is low enough to be consistent with a recessive carrier frequency. Of the 2 affected individuals, 2 of those were homozygotes and 1 was compound heterozygote that carried a reported pathogenic variant in trans, which increases the likelihood that the p.Val371Met variant is pathogenic (PMID: 34272103, 19138334, Lissens_2008). Computational prediction tools and conservation analyses do not provide strong support for or against an impact to the protein. In summary, although additional studies are required to fully establish its clinical significance, this variant is likely pathogenic for autosomal recessive PLA2G6-associated neurodegeneration. ACMG/AMP Criteria applied: PM3_strong, PM2 (Richards 2015).

Molecular Medicine for Neurodegenerative and Neuromuscular Diseases Unit, IRCCS Fondazione Stella Maris
Classification: Likely pathogenic for Infantile neuroaxonal dystrophy. Last evaluated: 2021-07-12. Review status: criteria provided, single submitter. Criteria: ACMG Guidelines, 2015. Collection method: research. Allele origin: inherited. Affected: yes.

Ambry Genetics
Classification: Likely pathogenic for Inborn genetic diseases. Last evaluated: 2018-08-23. Review status: criteria provided, single submitter. Criteria: Ambry exome assertion method (8-5-2015). Collection method: clinical testing. Allele origin: germline. Affected: yes. Observed: 1 variant allele.

Literature cited by the submitters: PubMed 19138334 (cited by Labcorp Genetics (formerly Invitae), Labcorp and Ambry Genetics); PubMed 34272103 (cited by Labcorp Genetics (formerly Invitae), Labcorp); PubMed 34445196 (cited by Labcorp Genetics (formerly Invitae), Labcorp).